The following is an entry in ClinVar:

NM_001369.3(DNAH5):c.870G>A (p.Trp290Ter)

Gene: DNAH5 (dynein axonemal heavy chain 5; minus strand). Cytogenetic location: 5p15.2.
Variant type: single nucleotide variant.
Coding change: c.870G>A on transcript NM_001369.3 (MANE Select); coding-DNA position 870, G replaced by A.
Protein change: p.Trp290Ter; replaces tryptophan 290 with a stop codon.
Molecular consequence: nonsense.
Genome position (GRCh38, 1-based): chr5:13,919,281, C>T on the plus strand (G>A on the coding strand, the complement: DNAH5 is on the minus strand). VCF-style: chr5-13919281-C-T. GRCh37 (hg19) VCF-style: chr5-13919390-C-T.
Other names: c.870G>A (NM_001369.2); short protein forms W290*.
Identifiers: ClinVar variation 2996715 (VCV002996715.5), dbSNP rs916132038, ClinGen allele CA113963651.
Genomic context (GRCh38, chr5:13,919,281, plus strand): 5'-CTTCACATCCGGGCTTTTCAATTGTTCCAAAAGGTAGTTAAACTTGGAGAGTCTTTTTTT[C>T]CAGTGCTCCAGCTCCGCTCGTGGCCCAACGTCATCCGCTTCCTTCAGCAGCTGATTGTTT-3'

ClinVar aggregate classification (germline): Pathogenic/Likely pathogenic. Review status: criteria provided, multiple submitters, no conflicts (2 of 4 stars). 2 submissions from 2 submitters: Pathogenic (1); Likely pathogenic (1). Last evaluated 2024-03-04.

Conditions:
Primary ciliary dyskinesia. Also called: Ciliary dyskinesia. Identifiers: Orphanet 244, MedGen C0008780, MONDO:0016575, HP:0012265.

Allele frequency attached by ClinVar (database versions not stated): gnomAD exomes below 0.00001; gnomAD 0.00001; TOPMed 0.00001.
gnomAD v4.1: 2 of 1,614,004 alleles (0.00012%); highest among the groups gnomAD compares: African/African-American, 0.0027%; no homozygotes.

Submissions (2):

Genetic Services Laboratory, University of Chicago
Classification: Likely pathogenic. Last evaluated: 2024-03-04. Review status: criteria provided, single submitter. Criteria: ACMG Guidelines, 2015. Collection method: clinical testing. Allele origin: germline. Affected: yes.
Comment: DNA sequence analysis of the DNAH5 gene demonstrated a sequence change, c.870G>A, which results in the creation of a premature stop codon at amino acid position 290, p.Trp290*. This sequence change is predicted to result in an abnormal transcript, which may be degraded, or may lead to the production of a truncated DNAH5 protein with potentially abnormal function. This sequence change has been described in the gnomAD database with a frequency of 0.0034% in the African/African American subpopulation (dbSNP rs916132038). This sequence change has not been described in individuals with DNAH5-related disorders but other loss of function variants in this gene has been reported with DNAH5-related ciliary dyskinesia (PMID: 11788826, 16627867). These collective evidences indicate that this sequence change is pathogenic, however functional studies have not been performed to prove this conclusively.

Labcorp Genetics (formerly Invitae), Labcorp
Classification: Pathogenic for Primary ciliary dyskinesia. Last evaluated: 2022-11-08. Review status: criteria provided, single submitter. Criteria: Invitae Variant Classification Sherloc (09022015). Collection method: clinical testing. Allele origin: germline.
Comment: For these reasons, this variant has been classified as Pathogenic. This variant has not been reported in the literature in individuals affected with DNAH5-related conditions. This variant is present in population databases (no rsID available, gnomAD 0.007%). This sequence change creates a premature translational stop signal (p.Trp290*) in the DNAH5 gene. It is expected to result in an absent or disrupted protein product. Loss-of-function variants in DNAH5 are known to be pathogenic (PMID: 11788826, 16627867).

Literature cited by the submitters: PubMed 11788826 (cited by Labcorp Genetics (formerly Invitae), Labcorp); PubMed 16627867 (cited by Labcorp Genetics (formerly Invitae), Labcorp).